The following is an entry in ClinVar:

NM_001164508.2(NEB):c.22606G>A (p.Asp7536Asn)

Genes: RIF1 (replication timing regulatory factor 1; plus strand), NEB (nebulin; minus strand). Cytogenetic location: 2q23.3.
Variant type: single nucleotide variant.
Coding change: c.22606G>A on transcript NM_001164508.2 (MANE Select); coding-DNA position 22606, G replaced by A.
Protein change: p.Asp7536Asn; replaces aspartic acid 7536 with asparagine.
Molecular consequence: missense variant.
Genome position (GRCh38, 1-based): chr2:151,519,054, C>T on the plus strand (G>A on the coding strand, the complement: NEB is on the minus strand). VCF-style: chr2-151519054-C-T. GRCh37 (hg19) VCF-style: chr2-152375568-C-T.
Other names: c.22606G>A, p.Asp7536Asn (NM_001164507.2); c.22711G>A, p.Asp7571Asn (NM_001271208.2); c.17503G>A, p.Asp5835Asn (NM_004543.5); short protein forms D5835N, D7536N, D7571N.
Identifiers: ClinVar variation 3342905 (VCV003342905.1).
Genomic context (GRCh38, chr2:151,519,054, plus strand): 5'-CATGATTCATGATCAGAGACTCCTTCATGTCAGTCACGGGTTTGTGAAGTTTCTTCAGGT[C>T]AGCCTTGTATTTAACCTGTGTGTTATGGGGGAAGAAAGGAAATCACGTAAATAGGAAATG-3'
Protein context (NP_001157980.2, residues 7526-7546): NLASEVKYKA[Asp7536Asn]LKKLHKPVTD

ClinVar aggregate classification (germline): Uncertain significance (1 of 4 stars; one submission).

Submission:

GeneDx
Classification: Uncertain significance. Last evaluated: 2024-03-26. Review status: criteria provided, single submitter. Criteria: GeneDx Variant Classification Process June 2021. Collection method: clinical testing. Allele origin: germline. Affected: yes.
Comment: Not observed at significant frequency in large population cohorts (gnomAD); In silico analysis supports that this missense variant has a deleterious effect on protein structure/function; Has not been previously published as pathogenic or benign to our knowledge